The following is an entry in ClinVar:

NM_020320.5(RARS2):c.431A>T (p.His144Leu)

Gene: RARS2 (arginyl-tRNA synthetase 2, mitochondrial; minus strand). Cytogenetic location: 6q15.
Variant type: single nucleotide variant.
Coding change: c.431A>T on transcript NM_020320.5 (MANE Select); coding-DNA position 431, A replaced by T.
Protein change: p.His144Leu; replaces histidine 144 with leucine.
Molecular consequence: missense variant. On other transcripts: 5 prime UTR variant (5), non-coding transcript variant (15), intron variant (2).
Genome position (GRCh38, 1-based): chr6:87,548,611, T>A on the plus strand (A>T on the coding strand, the complement: RARS2 is on the minus strand). VCF-style: chr6-87548611-T-A. GRCh37 (hg19) VCF-style: chr6-88258329-T-A.
Other names: c.431A>T, p.His144Leu (NM_001350505.2); c.-95A>T (NM_001350506.2, NM_001350507.2, NM_001350508.2 and 2 more transcripts); c.-74-2912A>T (NM_001350509.2, NM_001318785.2); short protein forms H144L.
Identifiers: ClinVar variation 3392782 (VCV003392782.1).

ClinVar aggregate classification (germline): Uncertain significance (1 of 4 stars; one submission).

Submission:

GeneDx
Classification: Uncertain significance. Last evaluated: 2024-06-26. Review status: criteria provided, single submitter. Criteria: GeneDx Variant Classification Process June 2021. Collection method: clinical testing. Allele origin: germline. Affected: yes.
Comment: Not observed at significant frequency in large population cohorts (gnomAD); In silico analysis supports that this missense variant has a deleterious effect on protein structure/function; Has not been previously published as pathogenic or benign to our knowledge